The following is an entry in ClinVar:

NM_001382430.1(AKT1):c.272A>G (p.Glu91Gly)

Gene: AKT1 (AKT serine/threonine kinase 1; minus strand). Cytogenetic location: 14q32.33.
Variant type: single nucleotide variant.
Coding change: c.272A>G on transcript NM_001382430.1 (MANE Select); coding-DNA position 272, A replaced by G.
Protein change: p.Glu91Gly; replaces glutamic acid 91 with glycine.
Molecular consequence: missense variant.
Genome position (GRCh38, 1-based): chr14:104,776,674, T>C on the plus strand (A>G on the coding strand, the complement: AKT1 is on the minus strand). VCF-style: chr14-104776674-T-C. GRCh37 (hg19) VCF-style: chr14-105243011-T-C.
Other names: c.272A>G, p.Glu91Gly (NM_001014431.2, NM_001014432.2, NM_001382431.1 and 3 more transcripts); short protein forms E91G.
Identifiers: ClinVar variation 3850814 (VCV003850814.1).

ClinVar aggregate classification (germline): Uncertain significance (1 of 4 stars; one submission).

Conditions:
Inborn genetic diseases. Identifiers: MedGen C0950123, MeSH D030342.

Submission:

Ambry Genetics
Classification: Uncertain significance for Inborn genetic diseases. Last evaluated: 2025-03-02. Review status: criteria provided, single submitter. Criteria: Ambry Variant Classification Scheme 2023. Collection method: clinical testing. Allele origin: germline.
Comment: The p.E91G variant (also known as c.272A>G), located in coding exon 3 of the AKT1 gene, results from an A to G substitution at nucleotide position 272. The glutamic acid at codon 91 is replaced by glycine, an amino acid with similar properties. This amino acid position is conserved. In addition, the in silico prediction for this alteration is inconclusive. Based on the available evidence, the clinical significance of this variant remains unclear.